The following is an entry in ClinVar:

NM_003482.4(KMT2D):c.11062G>C (p.Gly3688Arg)

Gene: KMT2D (lysine methyltransferase 2D; minus strand). Cytogenetic location: 12q13.12.
Variant type: single nucleotide variant.
Coding change: c.11062G>C on transcript NM_003482.4 (MANE Select); coding-DNA position 11062, G replaced by C.
Protein change: p.Gly3688Arg; replaces glycine 3688 with arginine.
Molecular consequence: missense variant.
Genome position (GRCh38, 1-based): chr12:49,033,643, C>G on the plus strand (G>C on the coding strand, the complement: KMT2D is on the minus strand). VCF-style: chr12-49033643-C-G. GRCh37 (hg19) VCF-style: chr12-49427426-C-G.
Other names: short protein forms G3688R.
Identifiers: ClinVar variation 5001347 (VCV005001347.1).

ClinVar aggregate classification (germline): Uncertain significance (1 of 4 stars; one submission).

Conditions:
KMT2D-related disorder. Also called: KMT2D-Related Disorders.

Submission:

PreventionGenetics, part of Exact Sciences
Classification: Uncertain significance for KMT2D-related condition. Last evaluated: 2025-08-10. Review status: criteria provided, single submitter. Criteria: ACMG Guidelines, 2015. Collection method: clinical testing. Allele origin: germline.
Comment: The KMT2D c.11062G>C variant is predicted to result in the amino acid substitution p.Gly3688Arg. To our knowledge, this variant has not been reported in the literature or in a large population database (gnomAD), indicating this variant is rare. At this time, the clinical significance of this variant is uncertain due to the absence of conclusive functional and genetic evidence.